The following is an entry in ClinVar:

NM_001079.4(ZAP70):c.791-3C>T

Gene: ZAP70 (zeta chain of T cell receptor associated protein kinase 70; plus strand). Cytogenetic location: 2q11.2.
Variant type: single nucleotide variant.
Coding change: c.791-3C>T on transcript NM_001079.4 (MANE Select); 3 bases into the intron before coding-DNA position 791, C replaced by T.
Molecular consequence: intron variant.
Genome position (GRCh38, 1-based): chr2:97,733,294, C>T. VCF-style: chr2-97733294-C-T. GRCh37 (hg19) VCF-style: chr2-98349757-C-T.
Other names: c.791-3C>T (NM_001378594.1).
Identifiers: ClinVar variation 658581 (VCV000658581.7), dbSNP rs200430850, ClinGen allele CA1790238.
Genomic context (GRCh38, chr2:97,733,294, plus strand): 5'-GCGGTGGGCGGGGGCGGCAGGAGACCTGGCCCCCAGCCCTCACTGTCCCTTCTGCTCCCC[C>T]AGGGGCTGCTGCTCCCACACTCCCAGCCCACCCATCCACGTTGACTCATGTGAGTTGGGG-3'

ClinVar aggregate classification (germline): Uncertain significance (1 of 4 stars; one submission).

Conditions:
Combined immunodeficiency due to ZAP70 deficiency (IMD48). Also called: Immunodeficiency 48; ZAP70 Deficiency. Identifiers: Orphanet 911, MedGen C2931299, MONDO:0010023, OMIM 269840.

Allele frequency attached by ClinVar (database versions not stated): TOPMed below 0.00001; ExAC 0.00001; gnomAD exomes below 0.00001.
gnomAD v4.1: 5 of 1,604,762 alleles (0.00031%); highest among the groups gnomAD compares: Middle Eastern, 0.017%; no homozygotes.

Submission:

Labcorp Genetics (formerly Invitae), Labcorp
Classification: Uncertain significance for Combined immunodeficiency due to ZAP70 deficiency. Last evaluated: 2021-02-21. Review status: criteria provided, single submitter. Criteria: Invitae Variant Classification Sherloc (09022015). Collection method: clinical testing. Allele origin: germline.
Comment: This variant has not been reported in the literature in individuals with ZAP70-related disease. In summary, the available evidence is currently insufficient to determine the role of this variant in disease. Therefore, it has been classified as a Variant of Uncertain Significance. Nucleotide substitutions within the consensus splice site are a relatively common cause of aberrant splicing (PMID: 17576681, 9536098). Algorithms developed to predict the effect of sequence changes on RNA splicing suggest that this variant is not likely to affect RNA splicing, but this prediction has not been confirmed by published transcriptional studies. This variant is present in population databases (rs200430850, ExAC 0.002%). This sequence change falls in intron 6 of the ZAP70 gene. It does not directly change the encoded amino acid sequence of the ZAP70 protein, but it affects a nucleotide within the consensus splice site of the intron.

Literature cited by the submitters: PubMed 17576681; PubMed 9536098.